The following is an entry in ClinVar:

NM_001145026.2(PTPRQ):c.3308_3309del (p.Leu1103fs)

Gene: PTPRQ (protein tyrosine phosphatase receptor type Q; plus strand). Cytogenetic location: 12q21.31.
Variant type: Deletion.
Coding change: c.3308_3309del on transcript NM_001145026.2 (MANE Select); coding-DNA positions 3308 to 3309, 2 bases deleted (TT; older notation c.3308_3309delTT).
Protein change: p.Leu1103fs; shifts the reading frame from leucine 1103.
Molecular consequence: frameshift variant.
Genome position (GRCh38, 1-based): chr12:80,541,708-80,541,709, TT deleted. VCF-style (leftmost placement, unchanged base first): chr12-80541707-CTT-C. GRCh37 (hg19) VCF-style: chr12-80935486-CTT-C.
Other names: short protein forms L1103fs.
Identifiers: ClinVar variation 2431060 (VCV002431060.2), dbSNP rs1310828595, ClinGen allele CA606674177.
Genomic context (GRCh38, chr12:80,541,707, plus strand): 5'-CTAGTCTTCTACTATGTTTCACTGATCTTACAGCAGACTCCTCGCCATGTGAGACCACCT[CTT>C]GTTACATATGAGAGAAGCATATATTTTGATAATCTGGAAAAATACACTGATTATATATTA-3'

ClinVar aggregate classification (germline): Likely pathogenic (1 of 4 stars; one submission).

Conditions:
Autosomal recessive nonsyndromic hearing loss 84A. Also called: DEAFNESS, AUTOSOMAL RECESSIVE 84A; DEAFNESS, AUTOSOMAL RECESSIVE 84A, WITH VESTIBULAR DYSFUNCTION. Identifiers: Orphanet 90636, MedGen C3150654, MONDO:0013249, OMIM 613391.

Allele frequency attached by ClinVar (database versions not stated): gnomAD exomes below 0.00001.

Submission:

Department of Paediatric Medicine, Post Graduation Institute of Medical Education and Research
Classification: Likely pathogenic for Autosomal recessive nonsyndromic hearing loss 84A. Last evaluated: 2023-03-01. Review status: criteria provided, single submitter. Criteria: ACMG Guidelines, 2015. Collection method: clinical testing. Allele origin: inherited. Inheritance: Autosomal recessive inheritance. Affected: no. Observed: 1 variant allele, 1 heterozygote.
Comment: PVS1, PM2